The following is an entry in ClinVar:

ClinVar aggregate classification (germline): Uncertain significance (1 of 4 stars; one submission).

gnomAD v4.1: 1 of 1,613,970 alleles (0.000062%); highest among the groups gnomAD compares: Admixed American, 0.0017%; no homozygotes.

Submission:

Labcorp Genetics (formerly Invitae), Labcorp
Classification: Uncertain significance. Last evaluated: 2025-06-02. Review status: criteria provided, single submitter. Criteria: Invitae Variant Classification Sherloc (09022015). Collection method: clinical testing. Allele origin: germline.
Comment: This sequence change replaces glutamine, which is neutral and polar, with histidine, which is basic and polar, at codon 1215 of the ZNF335 protein (p.Gln1215His). This variant is not present in population databases (gnomAD no frequency). This variant has not been reported in the literature in individuals affected with ZNF335-related conditions. An algorithm developed to predict the effect of missense changes on protein structure and function (PolyPhen-2) suggests that this variant is likely to be disruptive. In summary, the available evidence is currently insufficient to determine the role of this variant in disease. Therefore, it has been classified as a Variant of Uncertain Significance.

NM_022095.4(ZNF335):c.3645G>T (p.Gln1215His)

Gene: ZNF335 (zinc finger protein 335; minus strand). Cytogenetic location: 20q13.12.
Variant type: single nucleotide variant.
Coding change: c.3645G>T on transcript NM_022095.4 (MANE Select); coding-DNA position 3645, G replaced by T.
Protein change: p.Gln1215His; replaces glutamine 1215 with histidine.
Molecular consequence: missense variant.
Genome position (GRCh38, 1-based): chr20:45,949,824, C>A on the plus strand (G>T on the coding strand, the complement: ZNF335 is on the minus strand). VCF-style: chr20-45949824-C-A. GRCh37 (hg19) VCF-style: chr20-44578463-C-A.
Other names: short protein forms Q1215H.
Identifiers: ClinVar variation 4716108 (VCV004716108.1).
Genomic context (GRCh38, chr20:45,949,824, plus strand): 5'-CACAGCTGAGGGGATTAACAGTAGCTAGTAGCTCACCTGGTTGTCGGAGGTCACCAGGTG[C>A]TGTACGGTCTGGCCATCTGCCGTGGTGATCTCTTGGATGTAGGCGGCTTCCTCCTGCCAG-3'
Protein context (NP_071378.1, residues 1205-1225): EITTADGQTV[Gln1215His]HLVTSDNQVQ